The following is an entry in ClinVar:

NM_007294.4(BRCA1):c.643G>A (p.Glu215Lys)

Gene: BRCA1 (BRCA1 DNA repair associated; minus strand). Cytogenetic location: 17q21.31.
Variant type: single nucleotide variant.
Coding change: c.643G>A on transcript NM_007294.4 (MANE Select); coding-DNA position 643, G replaced by A.
Protein change: p.Glu215Lys; replaces glutamic acid 215 with lysine.
Molecular consequence: missense variant. On other transcripts: non-coding transcript variant (1).
Genome position (GRCh38, 1-based): chr17:43,095,873, C>T on the plus strand (G>A on the coding strand, the complement: BRCA1 is on the minus strand). VCF-style: chr17-43095873-C-T. GRCh37 (hg19) VCF-style: chr17-41247890-C-T.
Other names: c.562G>A, p.Glu188Lys (NM_001407661.1, NM_001407662.1, NM_001407659.1 and 3 more transcripts); c.565G>A, p.Glu189Lys (NM_001407663.1, NM_001407658.1, NM_001407653.1 and 9 more transcripts); c.643G>A, p.Glu215Lys (NM_001407684.1, NM_001407652.1, NM_001407854.1 and 59 more transcripts); c.502G>A, p.Glu168Lys (NM_001407692.1, NM_001407694.1, NM_001407695.1 and 43 more transcripts); c.640G>A, p.Glu214Lys (NM_001407644.1, NM_001407645.1, NM_001407860.1 and 41 more transcripts); c.634G>A, p.Glu212Lys (NM_001407646.1, NM_001407647.1, NM_001408408.1); c.499G>A, p.Glu167Lys (NM_001407740.1, NM_001407741.1, NM_001407742.1 and 26 more transcripts); c.430G>A, p.Glu144Lys (NM_001407853.1, NM_001407894.1, NM_001407895.1 and 12 more transcripts); and 4 more; short protein forms E215K, E168K, E170K, E212K, E88K, E145K, E144K, E167K.
Identifiers: ClinVar variation 1037513 (VCV001037513.11), dbSNP rs2054111326, ClinGen allele CA10600819.
Genomic context (GRCh38, chr17:43,095,873, plus strand): 5'-AGTGCCTGTTAAGTTGGCAAACTTTGCCATTACCCTTTTTTGCAGAATCCAAACTGATTT[C>T]ATCCCTGGTTCCTTGAGGGGTGATTTGTAACAATTCTTGATCTCCCACACTATAGGGAAA-3'
Protein context (NP_009225.1, residues 205-225): LQITPQGTRD[Glu215Lys]ISLDSAKKAA

ClinVar aggregate classification (germline): Uncertain significance. Review status: criteria provided, multiple submitters, no conflicts (2 of 4 stars). 2 submissions from 2 submitters: Uncertain significance (2). Last evaluated 2025-01-31.

Conditions:
Hereditary cancer-predisposing syndrome. Also called: Neoplastic Syndromes, Hereditary; Hereditary Cancer Syndrome; Tumor predisposition; Hereditary neoplastic syndrome. Identifiers: Orphanet 140162, MedGen C0027672, MeSH D009386, MONDO:0015356.
Hereditary breast ovarian cancer syndrome. Also called: Hereditary breast and ovarian cancer syndrome; Hereditary breast and ovarian cancer syndrome (HBOC); BRCA1- and BRCA2-Associated Hereditary Breast and Ovarian Cancer; Hereditary breast and ovarian cancer; Hereditary breast and/or ovarian cancer syndrome; Breast and ovarian cancer. Identifiers: Orphanet 145, MedGen C0677776, MeSH D061325, MONDO:0003582. Disease mechanism: loss of function.

Submissions (2):

Ambry Genetics
Classification: Uncertain significance for Hereditary cancer-predisposing syndrome. Last evaluated: 2025-01-31. Review status: criteria provided, single submitter. Criteria: Ambry Variant Classification Scheme 2023. Collection method: clinical testing. Allele origin: germline.
Comment: The p.E215K variant (also known as c.643G>A), located in coding exon 8 of the BRCA1 gene, results from a G to A substitution at nucleotide position 643. The glutamic acid at codon 215 is replaced by lysine, an amino acid with similar properties. This nucleotide position is well conserved in available vertebrate species. This amino acid position is not well conserved in available vertebrate species. In silico splice site analysis predicts that this alteration may weaken the native splice donor site; however direct evidence is insufficient (Ambry internal data). In addition, as a missense, the in silico prediction for this alteration is inconclusive. Based on the available evidence, the clinical significance of this variant remains unclear.

Labcorp Genetics (formerly Invitae), Labcorp
Classification: Uncertain significance for Hereditary breast ovarian cancer syndrome. Last evaluated: 2020-08-02. Review status: criteria provided, single submitter. Criteria: Invitae Variant Classification Sherloc (09022015). Collection method: clinical testing. Allele origin: germline.
Comment: In summary, the available evidence is currently insufficient to determine the role of this variant in disease. Therefore, it has been classified as a Variant of Uncertain Significance. Advanced modeling of protein sequence and biophysical properties (such as structural, functional, and spatial information, amino acid conservation, physicochemical variation, residue mobility, and thermodynamic stability) performed at Invitae indicates that this missense variant is not expected to disrupt BRCA1 protein function. This variant has not been reported in the literature in individuals with BRCA1-related conditions. This variant is not present in population databases (ExAC no frequency). This sequence change replaces glutamic acid with lysine at codon 215 of the BRCA1 protein (p.Glu215Lys). The glutamic acid residue is moderately conserved and there is a small physicochemical difference between glutamic acid and lysine.